The following is an entry in ClinVar:

ClinVar aggregate classification (germline): Likely pathogenic (1 of 4 stars; one submission).

Conditions:
Meckel-Gruber syndrome. Also called: Dysencephalia splachnocystica; DYSENCEPHALIA SPLANCHNOCYSTICA; GRUBER SYNDROME. Identifiers: Orphanet 564, MedGen C0265215, MONDO:0018921.
Nephronophthisis. Also called: Juvenile Nephronophthisis. Identifiers: Orphanet 655, MedGen C0687120, MONDO:0019005, HP:0000090.
Joubert syndrome. Also called: Familial aplasia of the vermis; CEREBELLOPARENCHYMAL DISORDER IV; JOUBERT-BOLTSHAUSER SYNDROME. Identifiers: Orphanet 475, MedGen C5979921, MONDO:0018772.

Allele frequency attached by ClinVar (database versions not stated): TOPMed below 0.00001.

Submission:

Labcorp Genetics (formerly Invitae), Labcorp
Classification: Likely pathogenic for Joubert syndrome; Meckel-Gruber syndrome; Nephronophthisis. Last evaluated: 2019-09-07. Review status: criteria provided, single submitter. Criteria: Invitae Variant Classification Sherloc (09022015). Collection method: clinical testing. Allele origin: germline.
Comment: This sequence change affects an acceptor splice site in intron 4 of the CEP290 gene. It is expected to disrupt RNA splicing and likely results in an absent or disrupted protein product. This variant is not present in population databases (ExAC no frequency). This variant has not been reported in the literature in individuals with CEP290-related conditions. Algorithms developed to predict the effect of sequence changes on RNA splicing suggest that this variant may disrupt the consensus splice site, but this prediction has not been confirmed by published transcriptional studies. Donor and acceptor splice site variants typically lead to a loss of protein function (PMID: 16199547), and loss-of-function variants in CEP290 are known to be pathogenic (PMID: 16909394, 17345604, 20690115, 25377065, 28559085). In summary, the currently available evidence indicates that the variant is pathogenic, but additional data are needed to prove that conclusively. Therefore, this variant has been classified as Likely Pathogenic.

Literature cited by the submitters: PubMed 16199547; PubMed 16909394; PubMed 17345604; PubMed 20690115; PubMed 25377065; PubMed 28559085.

NM_025114.4(CEP290):c.251-2A>G

Gene: CEP290 (centrosomal protein 290; minus strand). Cytogenetic location: 12q21.32.
Variant type: single nucleotide variant.
Coding change: c.251-2A>G on transcript NM_025114.4 (MANE Select); the canonical splice acceptor site of the intron before coding-DNA position 251, A replaced by G.
Molecular consequence: splice acceptor variant.
Genome position (GRCh38, 1-based): chr12:88,139,193, T>C on the plus strand (A>G on the coding strand, the complement: CEP290 is on the minus strand). VCF-style: chr12-88139193-T-C. GRCh37 (hg19) VCF-style: chr12-88532970-T-C.
Identifiers: ClinVar variation 963762 (VCV000963762.8), dbSNP rs951979448, ClinGen allele CA241166997.